The following is an entry in ClinVar:

ClinVar aggregate classification (germline): Likely benign. Review status: criteria provided, multiple submitters, no conflicts (2 of 4 stars). 3 submissions from 3 submitters: Likely benign (2). 1 of the submissions does not count toward it. Last evaluated 2024-11-01.

Conditions:
CUX2-related disorder. Also called: CUX2-related condition.

gnomAD v4.1: 26 of 1,611,744 alleles (0.0016%); highest among the groups gnomAD compares: Admixed American, 0.0033%; no homozygotes.

Submissions (3):

CeGaT Center for Human Genetics Tuebingen
Classification: Likely benign. Last evaluated: 2024-11-01. Review status: criteria provided, single submitter. Criteria: CeGaT Center For Human Genetics Tuebingen Variant Classification Criteria Version 2. Collection method: clinical testing. Allele origin: germline. Affected: yes. Observed: 1 variant allele.
Comment: CUX2: BP4, BP7

Blueprint Genetics
Classification: Likely benign. Last evaluated: 2022-07-12. Review status: criteria provided, single submitter. Criteria: ACMG Guidelines, 2015. Collection method: clinical testing. Allele origin: germline.

PreventionGenetics, part of Exact Sciences
Classification: Benign for CUX2-related condition. Last evaluated: 2019-03-20. Review status: no assertion criteria provided. Collection method: clinical testing. Allele origin: germline. Not counted in ClinVar's aggregate classification.
Comment: This variant is classified as benign based on ACMG/AMP sequence variant interpretation guidelines (Richards et al. 2015 PMID: 25741868, with internal and published modifications).

NM_015267.4(CUX2):c.885G>C (p.Ser295=)

Gene: CUX2 (cut like homeobox 2; plus strand). Cytogenetic location: 12q24.12.
Variant type: single nucleotide variant.
Coding change: c.885G>C on transcript NM_015267.4 (MANE Select); coding-DNA position 885, G replaced by C.
Protein change: p.Ser295=; no amino-acid change (serine 295 retained).
Molecular consequence: synonymous variant.
Genome position (GRCh38, 1-based): chr12:111,306,947, G>C. VCF-style: chr12-111306947-G-C. GRCh37 (hg19) VCF-style: chr12-111744751-G-C.
Other names: c.699G>C, p.Ser233= (NM_001370598.1).
Identifiers: ClinVar variation 3047847 (VCV003047847.17), dbSNP rs200854950, ClinGen allele CA6788510.
Genomic context (GRCh38, chr12:111,306,947, plus strand): 5'-CCTCTCAGCCCCTCAAAGACCCCTTTGCCTGCAGGATAAGGTGAACTTCACTCTGTGCTC[G>C]GGCCCTCGGCTGGAGGCCGCGCTGGCCTCCAAGGACAGGGAGATCCTGCGGCTGCTGAAG-3'
Protein context (NP_056082.2, residues 285-305): SGDKVNFTLC[Ser295=]GPRLEAALAS